The following is an entry in ClinVar:

ClinVar aggregate classification (germline): Likely benign (0 of 4 stars; one submission).

Conditions:
KIDINS220-related disorder. Also called: KIDINS220-related condition.

gnomAD v4.1: 1 of 1,614,202 alleles (0.000062%); highest among the groups gnomAD compares: Non-Finnish European, 0.000085%; no homozygotes.

Submission:

PreventionGenetics, part of Exact Sciences
Classification: Likely benign for KIDINS220-related condition. Last evaluated: 2023-03-02. Review status: no assertion criteria provided. Collection method: clinical testing. Allele origin: germline.
Comment: This variant is classified as likely benign based on ACMG/AMP sequence variant interpretation guidelines (Richards et al. 2015 PMID: 25741868, with internal and published modifications).

NM_020738.4(KIDINS220):c.1065A>C (p.Leu355=)

Gene: KIDINS220 (kinase D interacting substrate 220; minus strand). Cytogenetic location: 2p25.1.
Variant type: single nucleotide variant.
Coding change: c.1065A>C on transcript NM_020738.4 (MANE Select); coding-DNA position 1065, A replaced by C.
Protein change: p.Leu355=; no amino-acid change (leucine 355 retained).
Molecular consequence: synonymous variant. On other transcripts: non-coding transcript variant (2).
Genome position (GRCh38, 1-based): chr2:8,796,804, T>G on the plus strand (A>C on the coding strand, the complement: KIDINS220 is on the minus strand). VCF-style: chr2-8796804-T-G. GRCh37 (hg19) VCF-style: chr2-8936934-T-G.
Other names: c.1068A>C, p.Leu356= (NM_001348729.2, NM_001348731.2, NM_001348734.2 and 3 more transcripts); c.1065A>C, p.Leu355= (NM_001348732.2, NM_001348735.2, NM_001348738.2 and 3 more transcripts); c.939A>C, p.Leu313= (NM_001348736.2).
Identifiers: ClinVar variation 3355925 (VCV003355925.1).